The following is an entry in ClinVar:

ClinVar aggregate classification (germline): Benign (1 of 4 stars; one submission).

Allele frequency attached by ClinVar (database versions not stated): 1000 Genomes Project 30x 0.41615; 1000 Genomes Project 0.42971; TOPMed 0.28718; gnomAD 0.28941.
gnomAD v4.1: 44,186 of 152,022 alleles (29%); highest among the groups gnomAD compares: East Asian, 86%; 7,929 homozygotes.

Submission:

GeneDx
Classification: Benign. Last evaluated: 2018-06-14. Review status: criteria provided, single submitter. Criteria: GeneDx Variant Classification (06012015). Collection method: clinical testing. Allele origin: germline. Affected: yes.
Comment: This variant is considered likely benign or benign based on one or more of the following criteria: it is a conservative change, it occurs at a poorly conserved position in the protein, it is predicted to be benign by multiple in silico algorithms, and/or has population frequency not consistent with disease.

NM_147127.5(EVC2):c.3272+220G>A

Gene: EVC2 (EvC ciliary complex subunit 2; minus strand). Cytogenetic location: 4p16.2.
Variant type: single nucleotide variant.
Coding change: c.3272+220G>A on transcript NM_147127.5 (MANE Select); 220 bases into the intron after coding-DNA position 3272, G replaced by A.
Molecular consequence: intron variant.
Genome position (GRCh38, 1-based): chr4:5,576,020, C>T on the plus strand (G>A on the coding strand, the complement: EVC2 is on the minus strand). VCF-style: chr4-5576020-C-T. GRCh37 (hg19) VCF-style: chr4-5577747-C-T.
Other names: c.3032+220G>A (NM_001166136.2).
Identifiers: ClinVar variation 671303 (VCV000671303.1), dbSNP rs62297462, ClinGen allele CA16173152.